The following is an entry in ClinVar:

NM_000038.6(APC):c.7058C>G (p.Thr2353Ser)

Gene: APC (APC regulator of Wnt signaling pathway; plus strand). Cytogenetic location: 5q22.2.
Variant type: single nucleotide variant.
Coding change: c.7058C>G on transcript NM_000038.6 (MANE Select); coding-DNA position 7058, C replaced by G.
Protein change: p.Thr2353Ser; replaces threonine 2353 with serine.
Molecular consequence: missense variant.
Genome position (GRCh38, 1-based): chr5:112,842,652, C>G. VCF-style: chr5-112842652-C-G. GRCh37 (hg19) VCF-style: chr5-112178349-C-G.
Other names: c.7058C>G, p.Thr2353Ser (NM_001127510.3, NM_001354895.2); c.7004C>G, p.Thr2335Ser (NM_001127511.3); c.7112C>G, p.Thr2371Ser (NM_001354896.2); c.7088C>G, p.Thr2363Ser (NM_001354897.2); c.6983C>G, p.Thr2328Ser (NM_001354898.2); c.6974C>G, p.Thr2325Ser (NM_001354899.2); c.6935C>G, p.Thr2312Ser (NM_001354900.2); c.6881C>G, p.Thr2294Ser (NM_001354901.2); and 5 more; short protein forms T2193S, T2312S, T2353S, T2227S, T2262S, T2325S, T2335S, T2371S.
Identifiers: ClinVar variation 809784 (VCV000809784.28), dbSNP rs1580677965, ClinGen allele CA16036712.

ClinVar aggregate classification (germline): Uncertain significance. Review status: criteria provided, multiple submitters, no conflicts (2 of 4 stars). 5 submissions from 5 submitters: Uncertain significance (5). Last evaluated 2025-06-30.

Conditions:
Classic or attenuated familial adenomatous polyposis. Identifiers: MedGen CN372698, MONDO:0021057.
Hereditary cancer-predisposing syndrome. Also called: Neoplastic Syndromes, Hereditary; Tumor predisposition; Hereditary neoplastic syndrome; Hereditary Cancer Syndrome. Identifiers: Orphanet 140162, MedGen C0027672, MeSH D009386, MONDO:0015356.
Familial adenomatous polyposis 1 (FAP1). Also called: POLYPOSIS, ADENOMATOUS INTESTINAL; FAMILIAL ADENOMATOUS POLYPOSIS 1, ATTENUATED. Identifiers: MedGen C2713442, MONDO:0021056, OMIM 175100. Disease mechanism: loss of function.

Submissions (5):

GeneDx
Classification: Uncertain significance. Last evaluated: 2025-06-30. Review status: criteria provided, single submitter. Criteria: GeneDx Variant Classification Process June 2021. Collection method: clinical testing. Allele origin: germline. Affected: yes.
Comment: Not observed at significant frequency in large population cohorts (gnomAD); In silico analysis suggests that this missense variant does not alter protein structure/function; Has not been previously published as pathogenic or benign to our knowledge; This variant is associated with the following publications: (PMID: 18199528)

Color Diagnostics, LLC DBA Color Health
Classification: Uncertain significance for Hereditary cancer-predisposing syndrome. Last evaluated: 2023-12-04. Review status: criteria provided, single submitter. Criteria: ACMG Guidelines, 2015. Collection method: clinical testing. Allele origin: germline.
Comment: This missense variant replaces threonine with serine at codon 2353 of the APC protein. Computational prediction suggests that this variant may not impact protein structure and function (internally defined REVEL score threshold <= 0.5, PMID: 27666373). To our knowledge, functional studies have not been reported for this variant. This variant has not been reported in individuals affected with APC-related disorders in the literature. This variant has not been identified in the general population by the Genome Aggregation Database (gnomAD). The available evidence is insufficient to determine the role of this variant in disease conclusively. Therefore, this variant is classified as a Variant of Uncertain Significance.

Labcorp Genetics (formerly Invitae), Labcorp
Classification: Uncertain significance for Familial adenomatous polyposis 1. Last evaluated: 2023-09-04. Review status: criteria provided, single submitter. Criteria: Invitae Variant Classification Sherloc (09022015). Collection method: clinical testing. Allele origin: germline.
Comment: This sequence change replaces threonine, which is neutral and polar, with serine, which is neutral and polar, at codon 2353 of the APC protein (p.Thr2353Ser). This variant is not present in population databases (gnomAD no frequency). This variant has not been reported in the literature in individuals affected with APC-related conditions. ClinVar contains an entry for this variant (Variation ID: 809784). Advanced modeling of protein sequence and biophysical properties (such as structural, functional, and spatial information, amino acid conservation, physicochemical variation, residue mobility, and thermodynamic stability) performed at Invitae indicates that this missense variant is not expected to disrupt APC protein function. In summary, the available evidence is currently insufficient to determine the role of this variant in disease. Therefore, it has been classified as a Variant of Uncertain Significance.

All of Us Research Program, National Institutes of Health
Classification: Uncertain significance for Classic or attenuated familial adenomatous polyposis. Last evaluated: 2023-08-15. Review status: criteria provided, single submitter. Criteria: ACMG Guidelines, 2015. Collection method: clinical testing. Allele origin: germline. Inheritance: Autosomal dominant inheritance. Observed: 1 variant allele, 1 heterozygote.
Comment: This study involves interpretation of variants in research participants for the purpose of population health screening. Participant phenotype was not available at the time of variant classification. Additional details can be found in publication PMID: 35346344, PMCID: PMC8962531

Ambry Genetics
Classification: Uncertain significance for Hereditary cancer-predisposing syndrome. Last evaluated: 2023-03-28. Review status: criteria provided, single submitter. Criteria: Ambry Variant Classification Scheme 2023. Collection method: clinical testing. Allele origin: germline.
Comment: The p.T2353S variant (also known as c.7058C>G), located in coding exon 15 of the APC gene, results from a C to G substitution at nucleotide position 7058. The threonine at codon 2353 is replaced by serine, an amino acid with similar properties. This amino acid position is highly conserved in available vertebrate species. In addition, in silico predictors for this gene do not accurately predict pathogenicity. Since supporting evidence is limited at this time, the clinical significance of this alteration remains unclear.